The following is an entry in ClinVar:

NM_016219.5(MAN1B1):c.1485A>G (p.Arg495=)

Gene: MAN1B1 (mannosidase alpha class 1B member 1; plus strand). Cytogenetic location: 9q34.3.
Variant type: single nucleotide variant.
Coding change: c.1485A>G on transcript NM_016219.5 (MANE Select); coding-DNA position 1485, A replaced by G.
Protein change: p.Arg495=; no amino-acid change (arginine 495 retained).
Molecular consequence: synonymous variant. On other transcripts: non-coding transcript variant (2).
Genome position (GRCh38, 1-based): chr9:137,106,728, A>G. VCF-style: chr9-137106728-A-G. GRCh37 (hg19) VCF-style: chr9-140001180-A-G.
Identifiers: ClinVar variation 365962 (VCV000365962.42), dbSNP rs113472164, ClinGen allele CA5359246.

ClinVar aggregate classification (germline): Benign/Likely benign. Review status: criteria provided, multiple submitters, no conflicts (2 of 4 stars). 4 submissions from 4 submitters: Benign (2); Likely benign (2). Last evaluated 2026-03-01.

Conditions:
Inborn genetic diseases. Identifiers: MedGen C0950123, MeSH D030342.
Rafiq syndrome (RAFQS). Identifiers: Orphanet 88616, MedGen C3280127, MONDO:0013624, OMIM 614202.

Allele frequency attached by ClinVar (database versions not stated): gnomAD exomes 0.00196 and 0.00402; ExAC 0.00409; TOPMed 0.00493; ESP Exome Variant Server 0.00600; 1000 Genomes Project 0.00619; gnomAD 0.00620 and 0.00639; 1000 Genomes Project 30x 0.00625.
gnomAD v4.1: 3,869 of 1,613,504 alleles (0.24%); highest among the groups gnomAD compares: African/African-American, 1.5%; 29 homozygotes.

Submissions (4):

CeGaT Center for Human Genetics Tuebingen
Classification: Likely benign. Last evaluated: 2026-03-01. Review status: criteria provided, single submitter. Criteria: CeGaT Center For Human Genetics Tuebingen Variant Classification Criteria Version 2. Collection method: clinical testing. Allele origin: germline. Affected: yes. Observed: 2 variant alleles.
Comment: MAN1B1: BP4, BP7, BS1

Labcorp Genetics (formerly Invitae), Labcorp
Classification: Benign for Rafiq syndrome. Last evaluated: 2026-02-01. Review status: criteria provided, single submitter. Criteria: Invitae Variant Classification Sherloc (09022015). Collection method: clinical testing. Allele origin: germline.

Illumina Laboratory Services, Illumina
Classification: Benign for Rafiq syndrome. Last evaluated: 2018-01-13. Review status: criteria provided, single submitter. Criteria: ICSL Variant Classification Criteria 13 December 2019. Collection method: clinical testing. Allele origin: germline.
Comment: This variant was observed in the ICSL laboratory as part of a predisposition screen in an ostensibly healthy population. It had not been previously curated by ICSL or reported in the Human Gene Mutation Database (HGMD: prior to June 1st, 2018), and was therefore a candidate for classification through an automated scoring system. Utilizing variant allele frequency, disease prevalence and penetrance estimates, and inheritance mode, an automated score was calculated to assess if this variant is too frequent to cause the disease. Based on the score and internal cut-off values, a variant classified as benign is not then subjected to further curation. The score for this variant resulted in a classification of benign for this disease.

Ambry Genetics
Classification: Likely benign for Inborn genetic diseases. Last evaluated: 2016-07-26. Review status: criteria provided, single submitter. Criteria: Ambry Variant Classification Scheme 2023. Collection method: clinical testing. Allele origin: germline.